The following is an entry in ClinVar:

NM_006031.6(PCNT):c.6957T>G (p.Phe2319Leu)

Gene: PCNT (pericentrin; plus strand). Cytogenetic location: 21q22.3.
Variant type: single nucleotide variant.
Coding change: c.6957T>G on transcript NM_006031.6 (MANE Select); coding-DNA position 6957, T replaced by G.
Protein change: p.Phe2319Leu; replaces phenylalanine 2319 with leucine.
Molecular consequence: missense variant.
Genome position (GRCh38, 1-based): chr21:46,418,239, T>G. VCF-style: chr21-46418239-T-G. GRCh37 (hg19) VCF-style: chr21-47838153-T-G.
Other names: c.6603T>G, p.Phe2201Leu (NM_001315529.2); short protein forms F2319L, F2201L.
Identifiers: ClinVar variation 159646 (VCV000159646.53), dbSNP rs61735813, ClinGen allele CA173068.

ClinVar aggregate classification (germline): Conflicting classifications of pathogenicity. Review status: criteria provided, conflicting classifications (1 of 4 stars). 6 submissions from 6 submitters: Uncertain significance (1); Benign (3); Likely benign (2). Last evaluated 2026-01-25.

Conditions:
Microcephalic osteodysplastic primordial dwarfism type II (MOPD2). Also called: MOPD II; OSTEODYSPLASTIC PRIMORDIAL DWARFISM, TYPE II; Microcephalic osteodysplastic primordial dwarfism with tooth abnormalities. Identifiers: Orphanet 2637, MedGen C0432246, MONDO:0008872, OMIM 210720.

Allele frequency attached by ClinVar (database versions not stated): gnomAD 0.00111 and 0.00115; TOPMed 0.00124; gnomAD exomes 0.00126 and 0.00175; ExAC 0.00145; ESP Exome Variant Server 0.00185.
gnomAD v4.1: 2,085 of 1,609,758 alleles (0.13%); highest among the groups gnomAD compares: Middle Eastern, 0.51%; 13 homozygotes.

Submissions (6):

Labcorp Genetics (formerly Invitae), Labcorp
Classification: Benign. Last evaluated: 2026-01-25. Review status: criteria provided, single submitter. Criteria: Invitae Variant Classification Sherloc (09022015). Collection method: clinical testing. Allele origin: germline.

CeGaT Center for Human Genetics Tuebingen
Classification: Likely benign. Last evaluated: 2026-01-01. Review status: criteria provided, single submitter. Criteria: CeGaT Center For Human Genetics Tuebingen Variant Classification Criteria Version 2. Collection method: clinical testing. Allele origin: germline. Affected: yes. Observed: 4 variant alleles.
Comment: PCNT: BP4, BS2

ARUP Laboratories, Molecular Genetics and Genomics, ARUP Laboratories
Classification: Benign for Microcephalic osteodysplastic primordial dwarfism type II. Last evaluated: 2020-07-28. Review status: criteria provided, single submitter. Criteria: ARUP Molecular Germline Variant Investigation Process. Collection method: clinical testing. Allele origin: germline.

Illumina Laboratory Services, Illumina
Classification: Uncertain significance for Microcephalic osteodysplastic primordial dwarfism type II. Last evaluated: 2018-01-12. Review status: criteria provided, single submitter. Criteria: ICSL Variant Classification Criteria 13 December 2019. Collection method: clinical testing. Allele origin: germline.

Eurofins Ntd Llc (ga)
Classification: Likely benign. Last evaluated: 2016-05-01. Review status: criteria provided, single submitter. Criteria: EGL Classification Definitions 2015. Collection method: clinical testing. Allele origin: germline. Observed: 1 variant allele, 1 heterozygote.

Genetic Services Laboratory, University of Chicago
Classification: Benign. Last evaluated: 2013-02-08. Review status: criteria provided, single submitter. Criteria: ACMG Guidelines, 2007. Collection method: clinical testing. Allele origin: germline. Inheritance: Autosomal recessive inheritance.